The following is an entry in ClinVar:

NM_199242.3(UNC13D):c.1579C>T (p.Arg527Trp)

Gene: UNC13D (unc-13 homolog D; minus strand). Cytogenetic location: 17q25.1.
Variant type: single nucleotide variant.
Coding change: c.1579C>T on transcript NM_199242.3 (MANE Select); coding-DNA position 1579, C replaced by T.
Protein change: p.Arg527Trp; replaces arginine 527 with tryptophan.
Molecular consequence: missense variant.
Genome position (GRCh38, 1-based): chr17:75,835,872, G>A on the plus strand (C>T on the coding strand, the complement: UNC13D is on the minus strand). VCF-style: chr17-75835872-G-A. GRCh37 (hg19) VCF-style: chr17-73831953-G-A.
Other names: p.Arg527Trp; short protein forms R527W.
Identifiers: ClinVar variation 235640 (VCV000235640.23), dbSNP rs75366116, ClinGen allele CA8772913.

ClinVar aggregate classification (germline): Benign/Likely benign. Review status: criteria provided, multiple submitters, no conflicts (2 of 4 stars). 9 submissions from 9 submitters: Benign (5); Likely benign (4). Last evaluated 2026-02-02.

Conditions:
Autoinflammatory syndrome. Identifiers: Orphanet 93665, MedGen C3890737, MONDO:0019751.
Familial hemophagocytic lymphohistiocytosis 3 (FHL3). Also called: UNC13D-Related Familial Hemophagocytic Lymphohistiocytosis (UNC13D-fHLH). Identifiers: Orphanet 540, MedGen C1837174, MONDO:0012146, OMIM 608898.

Allele frequency attached by ClinVar (database versions not stated): gnomAD exomes 0.00157 and 0.00395; ExAC 0.00523; gnomAD 0.01537 and 0.01644; TOPMed 0.01702; ESP Exome Variant Server 0.01791; 1000 Genomes Project 0.01917; 1000 Genomes Project 30x 0.01952.
gnomAD v4.1: 4,676 of 1,614,156 alleles (0.29%); highest among the groups gnomAD compares: African/African-American, 5.5%; 126 homozygotes.

Submissions (9):

Labcorp Genetics (formerly Invitae), Labcorp
Classification: Benign for Familial hemophagocytic lymphohistiocytosis 3. Last evaluated: 2026-02-02. Review status: criteria provided, single submitter. Criteria: Invitae Variant Classification Sherloc (09022015). Collection method: clinical testing. Allele origin: germline.

Mayo Clinic Laboratories, Mayo Clinic
Classification: Benign. Last evaluated: 2023-07-31. Review status: criteria provided, single submitter. Criteria: ACMG Guidelines, 2015. Collection method: clinical testing. Allele origin: germline. Observed: 6 variant alleles.
Comment: BA1, BS2, BP4

Genome Diagnostics Laboratory, The Hospital for Sick Children
Classification: Benign for Autoinflammatory syndrome. Last evaluated: 2022-02-23. Review status: criteria provided, single submitter. Criteria: ACMG Guidelines, 2015. Collection method: clinical testing. Allele origin: germline. Affected: yes.

Fulgent Genetics
Classification: Likely benign for Familial hemophagocytic lymphohistiocytosis 3. Last evaluated: 2021-12-10. Review status: criteria provided, single submitter. Criteria: ACMG Guidelines, 2015. Collection method: clinical testing. Allele origin: unknown.

Women's Health and Genetics/Laboratory Corporation of America, LabCorp
Classification: Likely benign. Last evaluated: 2021-12-10. Review status: criteria provided, single submitter. Criteria: LabCorp Variant Classification Summary - May 2015. Collection method: clinical testing. Allele origin: germline.

Illumina Laboratory Services, Illumina
Classification: Likely benign for Familial hemophagocytic lymphohistiocytosis 3. Last evaluated: 2017-04-27. Review status: criteria provided, single submitter. Criteria: ICSL Variant Classification Criteria 13 December 2019. Collection method: clinical testing. Allele origin: germline.
Comment: This variant was observed as part of a predisposition screen in an ostensibly healthy population. A literature search was performed for the gene, cDNA change, and amino acid change (where applicable). Publications were found based on this search. The evidence from the literature, in combination with allele frequency data from public databases where available, was sufficient to determine this variant is unlikely to cause disease. Therefore, this variant is classified as likely benign.

Center for Pediatric Genomic Medicine, Children's Mercy Hospital and Clinics
Classification: Benign. Last evaluated: 2015-12-22. Review status: criteria provided, single submitter. Criteria: ACMG Guidelines, 2015. Collection method: clinical testing. Allele origin: germline.

Breakthrough Genomics
Classification: Likely benign. Review status: criteria provided, single submitter. Criteria: ACMG Guidelines, 2015. Collection method: not provided. Allele origin: germline. Inheritance: Autosomal recessive inheritance. Affected: yes.

PreventionGenetics, part of Exact Sciences
Classification: Benign. Review status: criteria provided, single submitter. Criteria: ACMG Guidelines, 2015. Collection method: clinical testing. Allele origin: germline.

Literature cited by the submitters: PubMed 18240215 (cited by Mayo Clinic Laboratories, Mayo Clinic and Illumina Laboratory Services, Illumina); PubMed 21881043 (cited by Mayo Clinic Laboratories, Mayo Clinic and Illumina Laboratory Services, Illumina); PubMed 24916509 (cited by Mayo Clinic Laboratories, Mayo Clinic); PubMed 29977033 (cited by Mayo Clinic Laboratories, Mayo Clinic).